The following is an entry in ClinVar:

ClinVar aggregate classification (germline): Uncertain significance. Review status: criteria provided, multiple submitters, no conflicts (2 of 4 stars). 2 submissions from 2 submitters: Uncertain significance (2). Last evaluated 2025-09-09.

Conditions:
Inborn genetic diseases. Identifiers: MedGen C0950123, MeSH D030342.
Kostmann syndrome (SCN3). Also called: Autosomal recessive severe congenital neutropenia type 3; KOSTMANN DISEASE. Identifiers: Orphanet 99749, MedGen C5235141, MONDO:0012548, OMIM 610738.

Allele frequency attached by ClinVar (database versions not stated): gnomAD 0.00001.
gnomAD v4.1: 14 of 1,613,816 alleles (0.00087%); highest among the groups gnomAD compares: Admixed American, 0.02%; no homozygotes.

Submissions (2):

Ambry Genetics
Classification: Uncertain significance for Inborn genetic diseases. Last evaluated: 2025-09-09. Review status: criteria provided, single submitter. Criteria: Ambry Variant Classification Scheme 2023. Collection method: clinical testing. Allele origin: germline.

Labcorp Genetics (formerly Invitae), Labcorp
Classification: Uncertain significance for Kostmann syndrome. Last evaluated: 2022-02-12. Review status: criteria provided, single submitter. Criteria: Invitae Variant Classification Sherloc (09022015). Collection method: clinical testing. Allele origin: germline.
Comment: This sequence change replaces glycine, which is neutral and non-polar, with arginine, which is basic and polar, at codon 142 of the HAX1 protein (p.Gly142Arg). This variant is present in population databases (no rsID available, gnomAD 0.02%). This variant has not been reported in the literature in individuals affected with HAX1-related conditions. Algorithms developed to predict the effect of missense changes on protein structure and function output the following: SIFT: "Tolerated"; PolyPhen-2: "Benign"; Align-GVGD: "Class C0". The arginine amino acid residue is found in multiple mammalian species, which suggests that this missense change does not adversely affect protein function. In summary, the available evidence is currently insufficient to determine the role of this variant in disease. Therefore, it has been classified as a Variant of Uncertain Significance.

NM_006118.4(HAX1):c.424G>A (p.Gly142Arg)

Gene: HAX1 (HCLS1 associated protein X-1; plus strand). Cytogenetic location: 1q21.3.
Variant type: single nucleotide variant.
Coding change: c.424G>A on transcript NM_006118.4 (MANE Select); coding-DNA position 424, G replaced by A.
Protein change: p.Gly142Arg; replaces glycine 142 with arginine.
Molecular consequence: missense variant.
Genome position (GRCh38, 1-based): chr1:154,273,881, G>A. VCF-style: chr1-154273881-G-A. GRCh37 (hg19) VCF-style: chr1-154246357-G-A.
Other names: c.280G>A, p.Gly94Arg (NM_001018837.2); short protein forms G94R, G142R.
Identifiers: ClinVar variation 2062794 (VCV002062794.3), dbSNP rs969033259, ClinGen allele CA30770113.